The following is an entry in ClinVar:

NM_001035.3(RYR2):c.11928G>T (p.Lys3976Asn)

Gene: RYR2 (ryanodine receptor 2; plus strand). Cytogenetic location: 1q43.
Variant type: single nucleotide variant.
Coding change: c.11928G>T on transcript NM_001035.3 (MANE Select); coding-DNA position 11928, G replaced by T.
Protein change: p.Lys3976Asn; replaces lysine 3976 with asparagine.
Molecular consequence: missense variant.
Genome position (GRCh38, 1-based): chr1:237,781,612, G>T. VCF-style: chr1-237781612-G-T. GRCh37 (hg19) VCF-style: chr1-237944912-G-T.
Other names: short protein forms K3976N.
Identifiers: ClinVar variation 1410935 (VCV001410935.7), dbSNP rs2149344926, ClinGen allele CA345410136.
Genomic context (GRCh38, chr1:237,781,612, plus strand): 5'-TTCATATTTTCAGGATTCCAGTCAAATTGAGCTATTAAAAGAATTAATGGATCTGCAGAA[G>T]GATATGGTGGTCATGTTGCTGTCCATGTTAGAAGGTAGTTTTGATTTATACTTTTAAATT-3'
Protein context (NP_001026.2, residues 3966-3986): ELLKELMDLQ[Lys3976Asn]DMVVMLLSML

ClinVar aggregate classification (germline): Uncertain significance (1 of 4 stars; one submission).

Conditions:
Catecholaminergic polymorphic ventricular tachycardia 1. Also called: RYR2-Related Catecholaminergic Polymorphic Ventricular Tachycardia; VENTRICULAR TACHYCARDIA, STRESS-INDUCED POLYMORPHIC 1; VENTRICULAR TACHYCARDIA, CATECHOLAMINERGIC POLYMORPHIC, 1, WITH OR WITHOUT ATRIAL DYSFUNCTION AND/OR DILATED CARDIOMYOPATHY. Identifiers: Orphanet 3286, MedGen C1631597, MONDO:0011484, OMIM 604772.

Submission:

Labcorp Genetics (formerly Invitae), Labcorp
Classification: Uncertain significance for Catecholaminergic polymorphic ventricular tachycardia 1. Last evaluated: 2022-01-16. Review status: criteria provided, single submitter. Criteria: Invitae Variant Classification Sherloc (09022015). Collection method: clinical testing. Allele origin: germline.
Comment: In summary, the available evidence is currently insufficient to determine the role of this variant in disease. Therefore, it has been classified as a Variant of Uncertain Significance. Advanced modeling of protein sequence and biophysical properties (such as structural, functional, and spatial information, amino acid conservation, physicochemical variation, residue mobility, and thermodynamic stability) performed at Invitae indicates that this missense variant is expected to disrupt RYR2 protein function. This variant has not been reported in the literature in individuals affected with RYR2-related conditions. This variant is not present in population databases (gnomAD no frequency). This sequence change replaces lysine, which is basic and polar, with asparagine, which is neutral and polar, at codon 3976 of the RYR2 protein (p.Lys3976Asn).